The following is an entry in ClinVar:

NM_032119.4(ADGRV1):c.12976G>A (p.Ala4326Thr)

Gene: ADGRV1 (adhesion G protein-coupled receptor V1; plus strand). Cytogenetic location: 5q14.3.
Variant type: single nucleotide variant.
Coding change: c.12976G>A on transcript NM_032119.4 (MANE Select); coding-DNA position 12976, G replaced by A.
Protein change: p.Ala4326Thr; replaces alanine 4326 with threonine.
Molecular consequence: missense variant. On other transcripts: non-coding transcript variant (1).
Genome position (GRCh38, 1-based): chr5:90,778,991, G>A. VCF-style: chr5-90778991-G-A. GRCh37 (hg19) VCF-style: chr5-90074808-G-A.
Other names: short protein forms A4326T.
Identifiers: ClinVar variation 2009167 (VCV002009167.4), dbSNP rs377347874, ClinGen allele CA360389727.
Genomic context (GRCh38, chr5:90,778,991, plus strand): 5'-AGCGGGACAGCGGAAGCAGGCTTGGATTTTGTTCCTGCAGCAGGGGAGCTCCTCTTTGAA[G>A]CAGGGGAGATGAGGAAAAGTCTGCATGTTGAAATCCTTGATGATGACTATCCTGAAGGCC-3'
Protein context (NP_115495.3, residues 4316-4336): VPAAGELLFE[Ala4326Thr]GEMRKSLHVE

ClinVar aggregate classification (germline): Uncertain significance (1 of 4 stars; one submission).

gnomAD v4.1: 1 of 1,613,418 alleles (0.000062%); highest among the groups gnomAD compares: Non-Finnish European, 0.000085%; no homozygotes.

Submission:

Labcorp Genetics (formerly Invitae), Labcorp
Classification: Uncertain significance. Last evaluated: 2022-06-22. Review status: criteria provided, single submitter. Criteria: Invitae Variant Classification Sherloc (09022015). Collection method: clinical testing. Allele origin: germline.
Comment: This variant has not been reported in the literature in individuals affected with ADGRV1-related conditions. In summary, the available evidence is currently insufficient to determine the role of this variant in disease. Therefore, it has been classified as a Variant of Uncertain Significance. Algorithms developed to predict the effect of missense changes on protein structure and function are either unavailable or do not agree on the potential impact of this missense change (SIFT: "Tolerated"; PolyPhen-2: "Probably Damaging"; Align-GVGD: "Class C0"). This variant is not present in population databases (gnomAD no frequency). This sequence change replaces alanine, which is neutral and non-polar, with threonine, which is neutral and polar, at codon 4326 of the ADGRV1 protein (p.Ala4326Thr).